The following is an entry in ClinVar:

ClinVar aggregate classification (germline): Uncertain significance (1 of 4 stars; one submission).

Conditions:
Developmental and epileptic encephalopathy 94 (DEE94). Also called: CHD2-Related Neurodevelopmental Disorders; Epileptic encephalopathy, childhood-onset. Identifiers: Orphanet 1942, Orphanet 2382, MedGen C3809278, MONDO:0014150, OMIM 615369.

Allele frequency attached by ClinVar (database versions not stated): gnomAD 0.00001 and 0.00002; 1000 Genomes Project 30x 0.00016; 1000 Genomes Project 0.00020.

Submission:

Labcorp Genetics (formerly Invitae), Labcorp
Classification: Uncertain significance for Developmental and epileptic encephalopathy 94. Last evaluated: 2025-11-04. Review status: criteria provided, single submitter. Criteria: Invitae Variant Classification Sherloc (09022015). Collection method: clinical testing. Allele origin: germline.
Comment: This sequence change replaces asparagine, which is neutral and polar, with aspartic acid, which is acidic and polar, at codon 409 of the CHD2 protein (p.Asn409Asp). This variant is present in population databases (rs531251618, gnomAD 0.003%). This variant has not been reported in the literature in individuals affected with CHD2-related conditions. ClinVar contains an entry for this variant (Variation ID: 1370028). Invitae Evidence Modeling of protein sequence and biophysical properties (such as structural, functional, and spatial information, amino acid conservation, physicochemical variation, residue mobility, and thermodynamic stability) indicates that this missense variant is not expected to disrupt CHD2 protein function with a negative predictive value of 95%. In summary, the available evidence is currently insufficient to determine the role of this variant in disease. Therefore, it has been classified as a Variant of Uncertain Significance.

NM_001271.4(CHD2):c.1225A>G (p.Asn409Asp)

Gene: CHD2 (chromodomain helicase DNA binding protein 2; plus strand). Cytogenetic location: 15q26.1.
Variant type: single nucleotide variant.
Coding change: c.1225A>G on transcript NM_001271.4 (MANE Select); coding-DNA position 1225, A replaced by G.
Protein change: p.Asn409Asp; replaces asparagine 409 with aspartic acid.
Molecular consequence: missense variant.
Genome position (GRCh38, 1-based): chr15:92,946,064, A>G. VCF-style: chr15-92946064-A-G. GRCh37 (hg19) VCF-style: chr15-93489294-A-G.
Other names: c.1225A>G, p.Asn409Asp (NM_001042572.3); short protein forms N409D.
Identifiers: ClinVar variation 1370028 (VCV001370028.6), dbSNP rs531251618, ClinGen allele CA7747760.